The following is an entry in ClinVar:

ClinVar aggregate classification (germline): Likely pathogenic (1 of 4 stars; one submission).

Conditions:
Glycine encephalopathy. Also called: Non-ketotic hyperglycinemia; Nonketotic hyperglycinemia. Identifiers: Orphanet 407, MedGen C0751748, MONDO:0011612, HP:0008288.

Submission:

Myriad Genetics, Inc.
Classification: Likely pathogenic for Glycine encephalopathy 1. Last evaluated: 2022-01-09. Review status: criteria provided, single submitter. Criteria: Myriad Women's Health Autosomal Recessive and X-Linked Classification Criteria (2021). Collection method: clinical testing. Allele origin: unknown.
Comment: NM_000170.2(GLDC):c.1584C>A(Y528*) is expected to be pathogenic in the context of glycine encephalopathy, GLDC-related. This variant is predicted to lead to an abnormal or absent protein product due to the creation of a premature termination codon in GLDC, a gene where loss-of-function variants are known to be pathogenic. Please note: this variant was assessed in the context of healthy population screening.

NM_000170.3(GLDC):c.1584C>A (p.Tyr528Ter)

Gene: GLDC (glycine decarboxylase; minus strand). Cytogenetic location: 9p24.1.
Variant type: single nucleotide variant.
Coding change: c.1584C>A on transcript NM_000170.3 (MANE Select); coding-DNA position 1584, C replaced by A.
Protein change: p.Tyr528Ter; replaces tyrosine 528 with a stop codon.
Molecular consequence: nonsense.
Genome position (GRCh38, 1-based): chr9:6,588,699, G>T on the plus strand (C>A on the coding strand, the complement: GLDC is on the minus strand). VCF-style: chr9-6588699-G-T. GRCh37 (hg19) VCF-style: chr9-6588699-G-T.
Other names: short protein forms Y528*.
Identifiers: ClinVar variation 1723925 (VCV001723925.2), dbSNP rs2489079135, ClinGen allele CA372892915.
Genomic context (GRCh38, chr9:6,588,699, plus strand): 5'-AAGGGAAATGTCTTTATTTTCCAGTTTCTTCATGTACCGGACAATGTTTGTTTCAGAGTG[G>T]TAGCTGTGAACACAAAACACAGAATTAGGGGCCCCAAAAGTAGATATGAGTCCATGCACA-3'